The following is an entry in ClinVar:

NM_004204.5(PIGQ):c.1416+104C>T

Gene: PIGQ (phosphatidylinositol glycan anchor biosynthesis class Q; plus strand). Cytogenetic location: 16p13.3.
Variant type: single nucleotide variant.
Coding change: c.1416+104C>T on transcript NM_004204.5 (MANE Select); 104 bases into the intron after coding-DNA position 1416, C replaced by T.
Molecular consequence: intron variant.
Genome position (GRCh38, 1-based): chr16:580,367, C>T. VCF-style: chr16-580367-C-T. GRCh37 (hg19) VCF-style: chr16-630367-C-T.
Other names: c.1416+104C>T (NM_148920.4).
Identifiers: ClinVar variation 1185515 (VCV001185515.8), dbSNP rs7192508, ClinGen allele CA14235612.

ClinVar aggregate classification (germline): Benign. Review status: criteria provided, multiple submitters, no conflicts (2 of 4 stars). 4 submissions from 4 submitters: Benign (4). Last evaluated 2024-07-15.

Conditions:
Developmental and epileptic encephalopathy, 77. Also called: GLYCOSYLPHOSPHATIDYLINOSITOL BIOSYNTHESIS DEFECT 19; MULTIPLE CONGENITAL ANOMALIES-HYPOTONIA-SEIZURES SYNDROME 4; EPILEPTIC ENCEPHALOPATHY, EARLY INFANTILE, 77. Identifiers: MedGen C5231405, MONDO:0032808, OMIM 618548.

Allele frequency attached by ClinVar (database versions not stated): TOPMed 0.45338; gnomAD 0.45399 and 0.46251; 1000 Genomes Project 30x 0.52920; 1000 Genomes Project 0.53175.
gnomAD v4.1: 401,131 of 868,666 alleles (46%); highest among the groups gnomAD compares: East Asian, 67%; 96,366 homozygotes.

Submissions (4):

Unidad de Genómica Garrahan, Hospital de Pediatría Garrahan
Classification: Benign. Last evaluated: 2024-07-15. Review status: criteria provided, single submitter. Criteria: ACMG Guidelines, 2015. Collection method: clinical testing. Allele origin: germline. Affected: no. Observed: 43 variant alleles.
Comment: This variant is classified as Benign based on local population frequency. This variant was detected in 46% of patients studied in a panel designed for Epileptic and Developmental Encephalopathy and Progressive Myoclonus Epilepsy. Number of patients: 43. Only high quality variants are reported.

Genome-Nilou Lab
Classification: Benign for Developmental and epileptic encephalopathy, 77. Last evaluated: 2021-07-14. Review status: criteria provided, single submitter. Criteria: ACMG Guidelines, 2015. Collection method: clinical testing. Allele origin: germline. Affected: no.

GeneDx
Classification: Benign. Last evaluated: 2021-05-14. Review status: criteria provided, single submitter. Criteria: GeneDx Variant Classification Process June 2021. Collection method: clinical testing. Allele origin: germline. Affected: yes.

Breakthrough Genomics
Classification: Benign. Review status: criteria provided, single submitter. Criteria: ACMG Guidelines, 2015. Collection method: not provided. Allele origin: germline. Inheritance: Autosomal recessive inheritance. Affected: yes.